The following is an entry in ClinVar:

ClinVar aggregate classification (germline): Conflicting classifications of pathogenicity. Review status: criteria provided, conflicting classifications (1 of 4 stars). 2 submissions from 2 submitters: Likely pathogenic (1); Uncertain significance (1). Last evaluated 2023-10-16.

Conditions:
Mucopolysaccharidosis type 1. Also called: IDUA deficiency; MPS I; Mucopolysaccharidosis Type I. Identifiers: Orphanet 579, MedGen C0023786, MONDO:0001586.

Allele frequency attached by ClinVar (database versions not stated): ExAC 0.00001; gnomAD 0.00003.
gnomAD v4.1: 9 of 1,612,122 alleles (0.00056%); highest among the groups gnomAD compares: African/African-American, 0.011%; no homozygotes.

Submissions (2):

Labcorp Genetics (formerly Invitae), Labcorp
Classification: Likely pathogenic for Mucopolysaccharidosis type 1. Last evaluated: 2023-10-16. Review status: criteria provided, single submitter. Criteria: Invitae Variant Classification Sherloc (09022015). Collection method: clinical testing. Allele origin: germline.
Comment: This sequence change replaces aspartic acid, which is acidic and polar, with glycine, which is neutral and non-polar, at codon 570 of the IDUA protein (p.Asp570Gly). This variant is present in population databases (rs753905054, gnomAD 0.007%). This variant has not been reported in the literature in individuals affected with IDUA-related conditions. ClinVar contains an entry for this variant (Variation ID: 2432710). Advanced modeling of protein sequence and biophysical properties (such as structural, functional, and spatial information, amino acid conservation, physicochemical variation, residue mobility, and thermodynamic stability) performed at Invitae indicates that this missense variant is expected to disrupt IDUA protein function. Algorithms developed to predict the effect of sequence changes on RNA splicing suggest that this variant may disrupt the consensus splice site. This variant disrupts the p.Asp570 amino acid residue in IDUA. Other variant(s) that disrupt this residue have been determined to be pathogenic (PMID: 25558755). This suggests that this residue is clinically significant, and that variants that disrupt this residue are likely to be disease-causing. In summary, the currently available evidence indicates that the variant is pathogenic, but additional data are needed to prove that conclusively. Therefore, this variant has been classified as Likely Pathogenic.

Revvity Omics, Revvity
Classification: Uncertain significance. Last evaluated: 2023-06-12. Review status: criteria provided, single submitter. Criteria: ACMG Guidelines, 2015. Collection method: clinical testing. Allele origin: germline.

Literature cited by the submitters: PubMed 25558755 (cited by Labcorp Genetics (formerly Invitae), Labcorp).

NM_000203.5(IDUA):c.1709A>G (p.Asp570Gly)

Gene: IDUA (alpha-L-iduronidase; plus strand). Cytogenetic location: 4p16.3.
Variant type: single nucleotide variant.
Coding change: c.1709A>G on transcript NM_000203.5 (MANE Select); coding-DNA position 1709, A replaced by G.
Protein change: p.Asp570Gly; replaces aspartic acid 570 with glycine.
Molecular consequence: missense variant. On other transcripts: non-coding transcript variant (1).
Genome position (GRCh38, 1-based): chr4:1,003,607, A>G. VCF-style: chr4-1003607-A-G. GRCh37 (hg19) VCF-style: chr4-997395-A-G.
Other names: c.1313A>G, p.Asp438Gly (NM_001363576.1); short protein forms D438G, D570G.
Identifiers: ClinVar variation 2432710 (VCV002432710.6), dbSNP rs753905054, ClinGen allele CA2802357.